The following is an entry in ClinVar:

NM_001009944.3(PKD1):c.1021dup (p.Ala341fs)

Gene: PKD1 (polycystin 1, transient receptor potential channel interacting; minus strand). Cytogenetic location: 16p13.3.
Variant type: Duplication.
Coding change: c.1021dup on transcript NM_001009944.3 (MANE Select); coding-DNA position 1021, one base duplicated (G; older notation c.1021dupG).
Protein change: p.Ala341fs; shifts the reading frame from alanine 341.
Molecular consequence: frameshift variant.
Genome position (GRCh38, 1-based): chr16:2,117,971, C duplicated on the plus strand (G on the coding strand, the reverse complement: PKD1 is on the minus strand); the first of 5 consecutive C bases (chr16:2,117,971-2,117,975); duplicating any one gives the same sequence. VCF-style (leftmost placement, unchanged base first): chr16-2117970-G-GC. GRCh37 (hg19) VCF-style: chr16-2167971-G-GC.
Other names: c.1021dup, p.Ala341fs (NM_000296.4); c.1021dupG (NM_001009944.2); c.1021dup (NM_001009944.2); short protein forms A341fs.
Identifiers: ClinVar variation 2635071 (VCV002635071.2), dbSNP rs2544878096, ClinGen allele CA2695197435.

ClinVar aggregate classification (germline): Pathogenic. Review status: criteria provided, multiple submitters, no conflicts (2 of 4 stars). 2 submissions from 2 submitters: Pathogenic (2). Last evaluated 2023-08-28.

Conditions:
PKD1-related disorder. Also called: PKD1-related condition.
Autosomal dominant polycystic kidney disease. Identifiers: Orphanet 730, MedGen C0085413, MONDO:0004691.

Submissions (2):

PreventionGenetics, part of Exact Sciences
Classification: Pathogenic for PKD1-related condition. Last evaluated: 2023-08-28. Review status: criteria provided, single submitter. Criteria: ACMG Guidelines, 2015. Collection method: clinical testing. Allele origin: germline.
Comment: The PKD1 c.1021dupG variant is predicted to result in a frameshift and premature protein termination (p.Ala341Glyfs*30). To our knowledge, this variant has not been reported in the literature or in a large population database, indicating this variant is rare. Frameshift variants in PKD1 are expected to be pathogenic. This variant is interpreted as pathogenic.

Department of Pathology and Laboratory Medicine, Sinai Health System
Classification: Pathogenic for autosomal dominant polycystic kidney disease. Last evaluated: 2022-11-08. Review status: criteria provided, single submitter. Criteria: ACMG Guidelines, 2015. Collection method: clinical testing. Allele origin: germline. Affected: yes.